The following is an entry in ClinVar:

ClinVar aggregate classification (germline): Uncertain significance. Review status: criteria provided, multiple submitters, no conflicts (2 of 4 stars). 2 submissions from 2 submitters: Uncertain significance (2). Last evaluated 2025-01-29.

Conditions:
Hereditary cancer-predisposing syndrome. Also called: Neoplastic Syndromes, Hereditary; Tumor predisposition; Hereditary neoplastic syndrome; Hereditary Cancer Syndrome. Identifiers: Orphanet 140162, MedGen C0027672, MeSH D009386, MONDO:0015356.

gnomAD v4.1: 13 of 1,614,206 alleles (0.00081%); highest among the groups gnomAD compares: Non-Finnish European, 0.00076%; no homozygotes.

Submissions (2):

Labcorp Genetics (formerly Invitae), Labcorp
Classification: Uncertain significance. Last evaluated: 2025-01-29. Review status: criteria provided, single submitter. Criteria: Invitae Variant Classification Sherloc (09022015). Collection method: clinical testing. Allele origin: germline.
Comment: This sequence change replaces tyrosine, which is neutral and polar, with asparagine, which is neutral and polar, at codon 921 of the MSH3 protein (p.Tyr921Asn). This variant is not present in population databases (gnomAD no frequency). This variant has not been reported in the literature in individuals affected with MSH3-related conditions. ClinVar contains an entry for this variant (Variation ID: 662084). An algorithm developed to predict the effect of missense changes on protein structure and function (PolyPhen-2) suggests that this variant is likely to be disruptive. In summary, the available evidence is currently insufficient to determine the role of this variant in disease. Therefore, it has been classified as a Variant of Uncertain Significance.

Ambry Genetics
Classification: Uncertain significance for Hereditary cancer-predisposing syndrome. Last evaluated: 2024-09-30. Review status: criteria provided, single submitter. Criteria: Ambry Variant Classification Scheme 2023. Collection method: clinical testing. Allele origin: germline.
Comment: The p.Y921N variant (also known as c.2761T>A), located in coding exon 20 of the MSH3 gene, results from a T to A substitution at nucleotide position 2761. The tyrosine at codon 921 is replaced by asparagine, an amino acid with dissimilar properties. This amino acid position is well conserved in available vertebrate species. In addition, the in silico prediction for this alteration is inconclusive. Since supporting evidence is limited at this time, the clinical significance of this alteration remains unclear.

NM_002439.5(MSH3):c.2761T>A (p.Tyr921Asn)

Gene: MSH3 (mutS homolog 3; plus strand). Cytogenetic location: 5q14.1.
Variant type: single nucleotide variant.
Coding change: c.2761T>A on transcript NM_002439.5 (MANE Select); coding-DNA position 2761, T replaced by A.
Protein change: p.Tyr921Asn; replaces tyrosine 921 with asparagine.
Molecular consequence: missense variant.
Genome position (GRCh38, 1-based): chr5:80,813,689, T>A. VCF-style: chr5-80813689-T-A. GRCh37 (hg19) VCF-style: chr5-80109508-T-A.
Other names: short protein forms Y921N.
Identifiers: ClinVar variation 662084 (VCV000662084.13), dbSNP rs1580066542, ClinGen allele CA360274020.